The following is an entry in ClinVar:

NM_000214.3(JAG1):c.3638G>A (p.Arg1213Gln)

Gene: JAG1 (jagged canonical Notch ligand 1; minus strand). Cytogenetic location: 20p12.2.
Variant type: single nucleotide variant.
Coding change: c.3638G>A on transcript NM_000214.3 (MANE Select); coding-DNA position 3638, G replaced by A.
Protein change: p.Arg1213Gln; replaces arginine 1213 with glutamine.
Molecular consequence: missense variant.
Genome position (GRCh38, 1-based): chr20:10,639,517, C>T on the plus strand (G>A on the coding strand, the complement: JAG1 is on the minus strand). VCF-style: chr20-10639517-C-T. GRCh37 (hg19) VCF-style: chr20-10620165-C-T.
Other names: c.3638G>A, p.Arg1213Gln (LRG_1191t1); short protein forms R1213Q.
Identifiers: ClinVar variation 594397 (VCV000594397.17), dbSNP rs138007561, ClinGen allele CA9764169.
Genomic context (GRCh38, chr20:10,639,517, plus strand): 5'-GCCCTCAGACTCTACCTAGCGGCGGCAGTGCCCGCGGTCTGCTATACGATGTACTCCATT[C>T]GGTTTAAGCTCTGGGCACTTTCCAAGTCTCTGTTGTCCTGTTTGTTTGTCCAGTTTGGGT-3'
Protein context (NP_000205.1, residues 1203-1218): RDLESAQSLN[Arg1213Gln]MEYIV

ClinVar aggregate classification (germline): Conflicting classifications of pathogenicity. Review status: criteria provided, conflicting classifications (1 of 4 stars). 6 submissions from 6 submitters: Uncertain significance (3); Likely benign (2). 1 of the submissions does not count toward it. Last evaluated 2026-06-18.

Conditions:
JAG1-related disorder. Also called: JAG1-related condition; JAG1-related disorders.
Alagille syndrome due to a JAG1 point mutation. Also called: Alagille Syndrome 1; HEPATIC DUCTULAR HYPOPLASIA, SYNDROMATIC; JAG1-Related Alagille Syndrome. Identifiers: Orphanet 261619, Orphanet 52, MedGen C1956125, MONDO:0016862, OMIM 118450.
Deafness, congenital heart defects, and posterior embryotoxon (DCHE). Identifiers: MedGen C1866053, MONDO:0060713, OMIM 617992.
Charcot-Marie-Tooth disease, axonal, Type 2HH. Also called: CHARCOT-MARIE-TOOTH NEUROPATHY, TYPE 2HH. Identifiers: MedGen C5562003, MONDO:0030458, OMIM 619574.
Tetralogy of Fallot (TOF). Identifiers: Orphanet 3303, MedGen C0039685, MONDO:0008542, OMIM 187500, HP:0001636.

Allele frequency attached by ClinVar (database versions not stated): gnomAD exomes 0.00004 and 0.00007; gnomAD 0.00007 and 0.00006; ESP Exome Variant Server 0.00023; ExAC 0.00006; TOPMed 0.00006.
gnomAD v4.1: 110 of 1,614,142 alleles (0.0068%); highest among the groups gnomAD compares: Middle Eastern, 0.066%; no homozygotes.

Submissions (6):

PreventionGenetics, part of Exact Sciences
Classification: Uncertain significance for JAG1-related condition. Last evaluated: 2026-06-18. Review status: criteria provided, single submitter. Criteria: ACMG Guidelines, 2015. Collection method: clinical testing. Allele origin: germline.
Comment: The JAG1 c.3638G>A variant is predicted to result in the amino acid substitution p.Arg1213Gln. This variant has been reported in one patient with extrahepatic biliary atresia (EHBA) (Kohsaka et al. 2002. PubMed ID: 12297837) and in one patient with left ectopic kidney, polydactyly, hypospadias and butterfly vertebra (Table S3, Domingo-Gallego et al. 2022. PubMed ID: 33532864). Functional studies suggest this substitution may alter protein function via increasing binding affinity to the PDZ domain of afadin (Popovic et al. 2012. PubMed ID: 22465068; Popovic et al. 2011. PubMed ID: 20586101). This variant is reported in 0.0085% of alleles in individuals of Latino descent in gnomAD. At this time, the clinical significance of this variant is uncertain due to the absence of conclusive functional and genetic evidence.

Labcorp Genetics (formerly Invitae), Labcorp
Classification: Likely benign for Alagille syndrome due to a JAG1 point mutation. Last evaluated: 2025-12-11. Review status: criteria provided, single submitter. Criteria: Invitae Variant Classification Sherloc (09022015). Collection method: clinical testing. Allele origin: germline.

Blueprint Genetics
Classification: Likely benign. Last evaluated: 2024-11-11. Review status: criteria provided, single submitter. Criteria: ACMG Guidelines, 2015. Collection method: clinical testing. Allele origin: germline.

Fulgent Genetics
Classification: Uncertain significance for Alagille syndrome due to a JAG1 point mutation; Tetralogy of Fallot; Deafness, congenital heart defects, and posterior embryotoxon; Charcot-Marie-Tooth disease, axonal, Type 2HH. Last evaluated: 2022-02-03. Review status: criteria provided, single submitter. Criteria: ACMG Guidelines, 2015. Collection method: clinical testing. Allele origin: unknown.

Eurofins Ntd Llc (ga)
Classification: Uncertain significance. Last evaluated: 2017-10-09. Review status: criteria provided, single submitter. Criteria: EGL Classification Definitions 2015. Collection method: clinical testing. Allele origin: germline. Observed: 1 variant allele, 1 heterozygote.

Gharavi Laboratory, Columbia University
Classification: Uncertain significance. Last evaluated: 2018-09-16. Review status: no assertion criteria provided. Criteria: ACMG Guidelines, 2015. Collection method: research. Allele origin: germline. Affected: no. Not counted in ClinVar's aggregate classification.